The following is an entry in ClinVar:

NM_025145.7(CFAP43):c.3145C>T (p.Arg1049Ter)

Gene: CFAP43 (cilia and flagella associated protein 43; minus strand). Cytogenetic location: 10q25.1.
Variant type: single nucleotide variant.
Coding change: c.3145C>T on transcript NM_025145.7 (MANE Select); coding-DNA position 3145, C replaced by T.
Protein change: p.Arg1049Ter; replaces arginine 1049 with a stop codon.
Molecular consequence: nonsense.
Genome position (GRCh38, 1-based): chr10:104,164,195, G>A on the plus strand (C>T on the coding strand, the complement: CFAP43 is on the minus strand). VCF-style: chr10-104164195-G-A. GRCh37 (hg19) VCF-style: chr10-105923953-G-A.
Other names: short protein forms R1049*.
Identifiers: ClinVar variation 3906976 (VCV003906976.2).

ClinVar aggregate classification (germline): Likely pathogenic (1 of 4 stars; one submission).

Conditions:
Spermatogenic failure 19. Identifiers: MedGen C4539818, MONDO:0054723, OMIM 617592.

gnomAD v4.1: 14 of 1,613,900 alleles (0.00087%); highest among the groups gnomAD compares: South Asian, 0.0088%; no homozygotes.

Submission:

Juno Genomics, Hangzhou Juno Genomics, Inc
Classification: Likely pathogenic for Spermatogenic failure 19. Review status: criteria provided, single submitter. Criteria: ACMG Guidelines, 2015. Collection method: clinical testing. Allele origin: germline. Affected: yes.
Comment: Absent from controls (or at extremely low frequency if recessive) in Genome Aggregation Database, Exome Sequencing Project, 1000 Genomes Project, or Exome Aggregation Consortium.;Null variant in a gene where loss of function (LOF) is a known mechanism of disease.